The following is an entry in ClinVar:

NM_000352.6(ABCC8):c.3151_3162+15del

Gene: ABCC8 (ATP binding cassette subfamily C member 8; minus strand). Cytogenetic location: 11p15.1.
Variant type: Deletion.
Coding change: c.3151_3162+15del on transcript NM_000352.6 (MANE Select); coding-DNA position 3151 through 15 bases into the intron after coding-DNA position 3162, 27 bases deleted (TCCCTCAGCCAGGTGTGACTGGCGGCC).
Molecular consequence: splice donor variant.
Genome position (GRCh38, 1-based): chr11:17,406,873-17,406,899, GGCCGCCAGTCACACCTGGCTGAGGGA deleted on the plus strand (TCCCTCAGCCAGGTGTGACTGGCGGCC on the coding strand, the reverse complement: ABCC8 is on the minus strand); deleting any 27 consecutive bases within chr11:17,406,873-17,406,900 gives the same sequence; the c. name uses the placement nearest the transcript's 3' end. VCF-style (leftmost placement, unchanged base first): chr11-17406872-GGGCCGCCAGTCACACCTGGCTGAGGGA-G. GRCh37 (hg19) VCF-style: chr11-17428419-GGGCCGCCAGTCACACCTGGCTGAGGGA-G.
Other names: c.3148_3159+15del (NM_001351297.2); c.3151_3162+15del (NM_001351296.2); c.3217_3228+15del (NM_001351295.2); c.3154_3165+15del (NM_001287174.3).
Identifiers: ClinVar variation 553564 (VCV000553564.3), dbSNP rs1554912381, ClinGen allele CA658822177.

ClinVar aggregate classification (germline): Uncertain significance. Review status: criteria provided, single submitter (1 of 4 stars). 3 submissions from 2 submitters: Uncertain significance (2). 1 of the submissions does not count toward it.

Conditions:
Transitory neonatal diabetes mellitus. Also called: Transient neonatal diabetes mellitus. Identifiers: MedGen C0342273, MONDO:0020525, HP:0008255.
Maturity-onset diabetes of the young (MODY). Also called: Maturity onset diabetes mellitus in young. Identifiers: Orphanet 552, MedGen C0342276, MONDO:0018911, HP:0004904.
Hyperinsulinemic hypoglycemia, familial, 1 (HHF1). Also called: Persistent hyperinsulinemic hypoglycemia of infancy; HYPERINSULINISM, FAMILIAL, WITH PANCREATIC NESIDIOBLASTOSIS; HYPOGLYCEMIA, HYPERINSULINEMIC, OF INFANCY; NESIDIOBLASTOSIS OF PANCREAS; Persistent Hyperinsulinemia Hypoglycemia of Infancy. Identifiers: Orphanet 276575, Orphanet 276598, MedGen C2931832, MONDO:0009734, OMIM 256450.

Submissions (3):

Clinical Genomics, Uppaluri K&H Personalized Medicine Clinic
Classification: Uncertain significance for Maturity-onset diabetes of the young. Review status: criteria provided, single submitter. Criteria: K & H Uppaluri Personalized Medicine Clinic Variant Classification & Assertion Criteria_Updated V.1. Collection method: research. Allele origin: somatic. Inheritance: Somatic mutation.
Comment: Mutations in ABCC8 gene are associated with both neonatal diabetes mellitus as well as MODY. Patients with this mutation may have a better response to sulfonylureas. However, no sufficient evidence is found to ascertain the role of this particular variant ( rs1554912381) in MODY yet.

Clinical Genomics, Uppaluri K&H Personalized Medicine Clinic
Classification: Uncertain significance for Transitory neonatal diabetes mellitus. Review status: criteria provided, single submitter. Criteria: K & H Uppaluri Personalized Medicine Clinic Variant Classification & Assertion Criteria_Updated V.1. Collection method: research. Allele origin: somatic. Inheritance: Somatic mutation.
Comment: Mutations in ABCC8 gene are associated with both neonatal diabetes mellitus as well as MODY. Patients with this mutation may have a better response to sulfonylureas. However, no sufficient evidence is found to ascertain the role of this particular variant ( rs1554912381) in neonatal diabetes yet.

Counsyl
Classification: Likely pathogenic for Hyperinsulinemic hypoglycemia, familial, 1. Last evaluated: 2017-08-29. Review status: no assertion criteria provided. Collection method: clinical testing. Allele origin: unknown. Not counted in ClinVar's aggregate classification.

Literature cited by the submitters: PubMed 16885549 (cited by Clinical Genomics, Uppaluri K&H Personalized Medicine Clinic); PubMed 21989597 (cited by Clinical Genomics, Uppaluri K&H Personalized Medicine Clinic); PubMed 27538677 (cited by Clinical Genomics, Uppaluri K&H Personalized Medicine Clinic); PubMed 18981553 (cited by Clinical Genomics, Uppaluri K&H Personalized Medicine Clinic); PubMed 32027066 (cited by Clinical Genomics, Uppaluri K&H Personalized Medicine Clinic); PubMed 16613899 (cited by Clinical Genomics, Uppaluri K&H Personalized Medicine Clinic); PubMed 18025408 (cited by Clinical Genomics, Uppaluri K&H Personalized Medicine Clinic); PubMed 32792356 (cited by Clinical Genomics, Uppaluri K&H Personalized Medicine Clinic).